The following is an entry in ClinVar:

NM_153676.4(USH1C):c.530A>G (p.Asp177Gly)

Gene: USH1C (USH1 protein network component harmonin; minus strand). Cytogenetic location: 11p15.1.
Variant type: single nucleotide variant.
Coding change: c.530A>G on transcript NM_153676.4 (MANE Select); coding-DNA position 530, A replaced by G.
Protein change: p.Asp177Gly; replaces aspartic acid 177 with glycine.
Molecular consequence: missense variant. On other transcripts: non-coding transcript variant (1).
Genome position (GRCh38, 1-based): chr11:17,526,802, T>C on the plus strand (A>G on the coding strand, the complement: USH1C is on the minus strand). VCF-style: chr11-17526802-T-C. GRCh37 (hg19) VCF-style: chr11-17548349-T-C.
Other names: c.530A>G (NM_005709.3); c.530A>G, p.Asp177Gly (NM_001297764.2, NM_005709.4); short protein forms D177G.
Identifiers: ClinVar variation 1007524 (VCV001007524.8), dbSNP rs1850699098, ClinGen allele CA379794555.

ClinVar aggregate classification (germline): Uncertain significance. Review status: criteria provided, multiple submitters, no conflicts (2 of 4 stars). 3 submissions from 3 submitters: Uncertain significance (2). 1 of the submissions does not count toward it. Last evaluated 2025-08-22.

Conditions:
Inborn genetic diseases. Identifiers: MedGen C0950123, MeSH D030342.
Usher syndrome type 1C. Also called: USHER SYNDROME, TYPE I, ACADIAN VARIETY. Identifiers: Orphanet 231169, Orphanet 886, MedGen C1848604, MONDO:0010171, OMIM 276904.

Allele frequency attached by ClinVar (database versions not stated): gnomAD exomes below 0.00001.

Submissions (3):

Ambry Genetics
Classification: Uncertain significance for Inborn genetic diseases. Last evaluated: 2025-08-22. Review status: criteria provided, single submitter. Criteria: Ambry Variant Classification Scheme 2023. Collection method: clinical testing. Allele origin: germline.

Labcorp Genetics (formerly Invitae), Labcorp
Classification: Uncertain significance. Last evaluated: 2022-03-10. Review status: criteria provided, single submitter. Criteria: Invitae Variant Classification Sherloc (09022015). Collection method: clinical testing. Allele origin: germline.
Comment: This sequence change replaces aspartic acid, which is acidic and polar, with glycine, which is neutral and non-polar, at codon 177 of the USH1C protein (p.Asp177Gly). This variant is not present in population databases (gnomAD no frequency). This variant has not been reported in the literature in individuals affected with USH1C-related conditions. ClinVar contains an entry for this variant (Variation ID: 1007524). Algorithms developed to predict the effect of missense changes on protein structure and function are either unavailable or do not agree on the potential impact of this missense change (SIFT: "Deleterious"; PolyPhen-2: "Benign"; Align-GVGD: "Class C0"). Algorithms developed to predict the effect of sequence changes on RNA splicing suggest that this variant may create or strengthen a splice site. In summary, the available evidence is currently insufficient to determine the role of this variant in disease. Therefore, it has been classified as a Variant of Uncertain Significance.

Natera, Inc.
Classification: Uncertain significance for Usher syndrome type 1C. Last evaluated: 2020-12-10. Review status: no assertion criteria provided. Collection method: clinical testing. Allele origin: germline. Not counted in ClinVar's aggregate classification.